The following is an entry in ClinVar:

NM_000199.5(SGSH):c.391del (p.Val131fs)

Gene: SGSH (N-sulfoglucosamine sulfohydrolase; minus strand). Cytogenetic location: 17q25.3.
Variant type: Deletion.
Coding change: c.391del on transcript NM_000199.5 (MANE Select); coding-DNA position 391, one base deleted (G; older notation c.391delG).
Protein change: p.Val131fs; shifts the reading frame from valine 131.
Molecular consequence: frameshift variant. On other transcripts: non-coding transcript variant (1).
Genome position (GRCh38, 1-based): chr17:80,214,730, C deleted on the plus strand (G on the coding strand, the reverse complement: SGSH is on the minus strand). VCF-style (leftmost placement, unchanged base first): chr17-80214729-AC-A. GRCh37 (hg19) VCF-style: chr17-78188528-AC-A.
Other names: c.391del, p.Val131fs (NM_001352921.3, NM_001352922.2); short protein forms V131fs.
Identifiers: ClinVar variation 1926896 (VCV001926896.5), dbSNP rs2510894208, ClinGen allele CA2580095333.

ClinVar aggregate classification (germline): Pathogenic (1 of 4 stars; one submission).

Conditions:
Mucopolysaccharidosis, MPS-III-A (MPS3A). Also called: HEPARAN SULFATE SULFATASE DEFICIENCY; SANFILIPPO SYNDROME A; SULFAMIDASE DEFICIENCY; MPS III A; Mucopolysaccharidosis type IIIA (Sanfilippo A); Mucopolysaccharidosis, type IIIA. Identifiers: Orphanet 581, Orphanet 79269, MedGen C0086647, MONDO:0009655, OMIM 252900.

Submission:

Labcorp Genetics (formerly Invitae), Labcorp
Classification: Pathogenic for Mucopolysaccharidosis, MPS-III-A. Last evaluated: 2022-10-19. Review status: criteria provided, single submitter. Criteria: Invitae Variant Classification Sherloc (09022015). Collection method: clinical testing. Allele origin: germline.
Comment: This sequence change creates a premature translational stop signal (p.Val131Cysfs*133) in the SGSH gene. It is expected to result in an absent or disrupted protein product. Loss-of-function variants in SGSH are known to be pathogenic (PMID: 11182930, 21204211, 22976768). This variant is not present in population databases (gnomAD no frequency). This variant has not been reported in the literature in individuals affected with SGSH-related conditions. For these reasons, this variant has been classified as Pathogenic.

Literature cited by the submitters: PubMed 11182930; PubMed 21204211; PubMed 22976768.